The following is an entry in ClinVar:

ClinVar aggregate classification (germline): Uncertain significance. Review status: criteria provided, multiple submitters, no conflicts (2 of 4 stars). 2 submissions from 2 submitters: Uncertain significance (2). Last evaluated 2024-06-11.

Conditions:
ALG12-congenital disorder of glycosylation (CDG1G). Also called: Congenital disorder of glycosylation, type Ig; ALG12-CDG; CDG Ig. Identifiers: Orphanet 79324, MedGen C2931001, MONDO:0011783, OMIM 607143.
Inborn genetic diseases. Identifiers: MedGen C0950123, MeSH D030342.

Allele frequency attached by ClinVar (database versions not stated): ExAC 0.00001; gnomAD 0.00001; gnomAD exomes 0.00001; TOPMed 0.00001.
gnomAD v4.1: 12 of 1,614,090 alleles (0.00074%); highest among the groups gnomAD compares: Middle Eastern, 0.049%; no homozygotes.

Submissions (2):

Ambry Genetics
Classification: Uncertain significance for Inborn genetic diseases. Last evaluated: 2024-06-11. Review status: criteria provided, single submitter. Criteria: Ambry Variant Classification Scheme 2023. Collection method: clinical testing. Allele origin: germline.

Labcorp Genetics (formerly Invitae), Labcorp
Classification: Uncertain significance for ALG12-congenital disorder of glycosylation. Last evaluated: 2024-05-15. Review status: criteria provided, single submitter. Criteria: Invitae Variant Classification Sherloc (09022015). Collection method: clinical testing. Allele origin: germline.
Comment: This sequence change replaces valine, which is neutral and non-polar, with isoleucine, which is neutral and non-polar, at codon 374 of the ALG12 protein (p.Val374Ile). This variant is present in population databases (rs761515996, gnomAD 0.006%). This variant has not been reported in the literature in individuals affected with ALG12-related conditions. ClinVar contains an entry for this variant (Variation ID: 1520047). Advanced modeling of protein sequence and biophysical properties (such as structural, functional, and spatial information, amino acid conservation, physicochemical variation, residue mobility, and thermodynamic stability) performed at Invitae indicates that this missense variant is not expected to disrupt ALG12 protein function with a negative predictive value of 80%. In summary, the available evidence is currently insufficient to determine the role of this variant in disease. Therefore, it has been classified as a Variant of Uncertain Significance.

NM_024105.4(ALG12):c.1120G>A (p.Val374Ile)

Gene: ALG12 (ALG12 alpha-1,6-mannosyltransferase; minus strand). Cytogenetic location: 22q13.33.
Variant type: single nucleotide variant.
Coding change: c.1120G>A on transcript NM_024105.4 (MANE Select); coding-DNA position 1120, G replaced by A.
Protein change: p.Val374Ile; replaces valine 374 with isoleucine.
Molecular consequence: missense variant.
Genome position (GRCh38, 1-based): chr22:49,904,379, C>T on the plus strand (G>A on the coding strand, the complement: ALG12 is on the minus strand). VCF-style: chr22-49904379-C-T. GRCh37 (hg19) VCF-style: chr22-50298027-C-T.
Other names: c.1120G>A (NM_024105.3); short protein forms V374I.
Identifiers: ClinVar variation 1520047 (VCV001520047.8), dbSNP rs761515996, ClinGen allele CA10300342.